The following is an entry in ClinVar:

NM_002334.4(LRP4):c.4134T>A (p.His1378Gln)

Gene: LRP4 (LDL receptor related protein 4; minus strand). Cytogenetic location: 11p11.2.
Variant type: single nucleotide variant.
Coding change: c.4134T>A on transcript NM_002334.4 (MANE Select); coding-DNA position 4134, T replaced by A.
Protein change: p.His1378Gln; replaces histidine 1378 with glutamine.
Molecular consequence: missense variant.
Genome position (GRCh38, 1-based): chr11:46,874,895, A>T on the plus strand (T>A on the coding strand, the complement: LRP4 is on the minus strand). VCF-style: chr11-46874895-A-T. GRCh37 (hg19) VCF-style: chr11-46896446-A-T.
Other names: c.4134T>A (NM_002334.3); short protein forms H1378Q.
Identifiers: ClinVar variation 1051929 (VCV001051929.8), dbSNP rs763442262, ClinGen allele CA5969405.

ClinVar aggregate classification (germline): Uncertain significance. Review status: criteria provided, multiple submitters, no conflicts (2 of 4 stars). 2 submissions from 2 submitters: Uncertain significance (2). Last evaluated 2025-12-25.

Conditions:
Inborn genetic diseases. Identifiers: MedGen C0950123, MeSH D030342.
Cenani-Lenz syndactyly syndrome. Also called: CENANI SYNDACTYLISM; SYNDACTYLY, TYPE VII. Identifiers: Orphanet 3258, MedGen C1859309, MONDO:0008931, OMIM 212780.
Congenital myasthenic syndrome 17. Identifiers: Orphanet 590, MedGen C4225377, MONDO:0014578, OMIM 616304.
Sclerosteosis 2 (SOST2). Identifiers: Orphanet 3152, MedGen C3280402, MONDO:0013679, OMIM 614305.

Allele frequency attached by ClinVar (database versions not stated): ExAC 0.00004; TOPMed 0.00002; gnomAD 0.00003 and 0.00001; gnomAD exomes 0.00006.
gnomAD v4.1: 62 of 1,614,210 alleles (0.0038%); highest among the groups gnomAD compares: South Asian, 0.055%; no homozygotes.

Submissions (2):

Labcorp Genetics (formerly Invitae), Labcorp
Classification: Uncertain significance for Cenani-Lenz syndactyly syndrome; Sclerosteosis 2; Congenital myasthenic syndrome 17. Last evaluated: 2025-12-25. Review status: criteria provided, single submitter. Criteria: Invitae Variant Classification Sherloc (09022015). Collection method: clinical testing. Allele origin: germline.
Comment: This sequence change replaces histidine, which is basic and polar, with glutamine, which is neutral and polar, at codon 1378 of the LRP4 protein (p.His1378Gln). This variant is present in population databases (rs763442262, gnomAD 0.03%). This variant has not been reported in the literature in individuals affected with LRP4-related conditions. ClinVar contains an entry for this variant (Variation ID: 1051929). Invitae Evidence Modeling of protein sequence and biophysical properties (such as structural, functional, and spatial information, amino acid conservation, physicochemical variation, residue mobility, and thermodynamic stability) indicates that this missense variant is not expected to disrupt LRP4 protein function with a negative predictive value of 80%. In summary, the available evidence is currently insufficient to determine the role of this variant in disease. Therefore, it has been classified as a Variant of Uncertain Significance.

Ambry Genetics
Classification: Uncertain significance for Inborn genetic diseases. Last evaluated: 2025-11-24. Review status: criteria provided, single submitter. Criteria: Ambry Variant Classification Scheme 2023. Collection method: clinical testing. Allele origin: germline.